The following is an entry in ClinVar:

NM_001080466.2(BTBD17):c.990G>A (p.Pro330=)

Gene: BTBD17 (BTB domain containing 17; minus strand). Cytogenetic location: 17q25.1.
Variant type: single nucleotide variant.
Coding change: c.990G>A on transcript NM_001080466.2 (MANE Select); coding-DNA position 990, G replaced by A.
Protein change: p.Pro330=; no amino-acid change (proline 330 retained).
Molecular consequence: synonymous variant.
Genome position (GRCh38, 1-based): chr17:74,357,104, C>T on the plus strand (G>A on the coding strand, the complement: BTBD17 is on the minus strand). VCF-style: chr17-74357104-C-T. GRCh37 (hg19) VCF-style: chr17-72353243-C-T.
Identifiers: ClinVar variation 4084260 (VCV004084260.8).
Genomic context (GRCh38, chr17:74,357,104, plus strand): 5'-CGCGTCGTGGCCACTCGGGCCCAGCTGCGTCTGGAAGCTGGTGCTGCGGTCGTCGCGGGC[C>T]GGGTTGTTGATGACCCACGGGGCGCCCCAGGCGGGCGCGAGGTAGTTGCGGGGCAGGAAG-3'
Protein context (NP_001073935.1, residues 320-340): AWGAPWVINN[Pro330=]ARDDRSTSFQ

ClinVar aggregate classification (germline): Likely benign (1 of 4 stars; one submission).

Submission:

CeGaT Center for Human Genetics Tuebingen
Classification: Likely benign. Last evaluated: 2026-08-01. Review status: criteria provided, single submitter. Criteria: CeGaT Center For Human Genetics Tuebingen Variant Classification Criteria Version 2. Collection method: clinical testing. Allele origin: germline. Affected: yes. Observed: 4 variant alleles.
Comment: BTBD17: PM2:Supporting, BP4, BP7